The following is an entry in ClinVar:

NM_022436.3(ABCG5):c.629A>G (p.Asp210Gly)

Genes: ABCG5 (ATP binding cassette subfamily G member 5; minus strand), DYNC2LI1 (dynein cytoplasmic 2 light intermediate chain 1; plus strand). Cytogenetic location: 2p21.
Variant type: single nucleotide variant.
Coding change: c.629A>G on transcript NM_022436.3 (MANE Select); coding-DNA position 629, A replaced by G.
Protein change: p.Asp210Gly; replaces aspartic acid 210 with glycine.
Molecular consequence: missense variant. On other transcripts: 3 prime UTR variant (2).
Genome position (GRCh38, 1-based): chr2:43,827,988, T>C on the plus strand (A>G on the coding strand, the complement: ABCG5 is on the minus strand). VCF-style: chr2-43827988-T-C. GRCh37 (hg19) VCF-style: chr2-44055127-T-C.
Other names: c.*618T>C (NM_001348912.2, NM_001348913.2); short protein forms D210G.
Identifiers: ClinVar variation 3416160 (VCV003416160.1).

ClinVar aggregate classification (germline): Uncertain significance (1 of 4 stars; one submission).

Conditions:
Cardiovascular phenotype. Identifiers: MedGen CN230736.

gnomAD v4.1: 8 of 1,613,924 alleles (0.0005%); highest among the groups gnomAD compares: Non-Finnish European, 0.00068%; no homozygotes.

Submission:

Ambry Genetics
Classification: Uncertain significance for Cardiovascular phenotype. Last evaluated: 2024-10-07. Review status: criteria provided, single submitter. Criteria: Ambry Variant Classification Scheme 2023. Collection method: clinical testing. Allele origin: germline.
Comment: The p.D210G variant (also known as c.629A>G), located in coding exon 5 of the ABCG5 gene, results from an A to G substitution at nucleotide position 629. The aspartic acid at codon 210 is replaced by glycine, an amino acid with similar properties. This amino acid position is conserved. In addition, the in silico prediction for this alteration is inconclusive. Based on the available evidence, the clinical significance of this variant remains unclear.